The following is an entry in ClinVar:

ClinVar aggregate classification (germline): Uncertain significance (1 of 4 stars; one submission).

gnomAD v4.1: 6 of 1,612,296 alleles (0.00037%); highest among the groups gnomAD compares: South Asian, 0.0011%; no homozygotes.

Submission:

Labcorp Genetics (formerly Invitae), Labcorp
Classification: Uncertain significance. Last evaluated: 2022-08-07. Review status: criteria provided, single submitter. Criteria: Invitae Variant Classification Sherloc (09022015). Collection method: clinical testing. Allele origin: germline.
Comment: This sequence change replaces arginine, which is basic and polar, with serine, which is neutral and polar, at codon 1073 of the NBAS protein (p.Arg1073Ser). This variant is present in population databases (no rsID available, gnomAD 0.0009%). This variant has not been reported in the literature in individuals affected with NBAS-related conditions. Algorithms developed to predict the effect of missense changes on protein structure and function are either unavailable or do not agree on the potential impact of this missense change (SIFT: "Deleterious"; PolyPhen-2: "Benign"; Align-GVGD: "Class C65"). In summary, the available evidence is currently insufficient to determine the role of this variant in disease. Therefore, it has been classified as a Variant of Uncertain Significance.

NM_015909.4(NBAS):c.3217C>A (p.Arg1073Ser)

Gene: NBAS (NBAS subunit of NRZ tethering complex; minus strand). Cytogenetic location: 2p24.3.
Variant type: single nucleotide variant.
Coding change: c.3217C>A on transcript NM_015909.4 (MANE Select); coding-DNA position 3217, C replaced by A.
Protein change: p.Arg1073Ser; replaces arginine 1073 with serine.
Molecular consequence: missense variant. On other transcripts: non-coding transcript variant (1).
Genome position (GRCh38, 1-based): chr2:15,394,267, G>T on the plus strand (C>A on the coding strand, the complement: NBAS is on the minus strand). VCF-style: chr2-15394267-G-T. GRCh37 (hg19) VCF-style: chr2-15534391-G-T.
Other names: short protein forms R1073S.
Identifiers: ClinVar variation 1905124 (VCV001905124.5), dbSNP rs147322367, ClinGen allele CA345880563.
Genomic context (GRCh38, chr2:15,394,267, plus strand): 5'-CAATTAATTTTATTACTCACTTCCGGCCAGTGTGCCTCGTCAATCTAACCATCAGCTTGC[G>T]TGCCTCTTCTGAGCTAGATTGAGTGTTTTTAACAAATGAAATTGGTTTCTCGAGTCCATG-3'
Protein context (NP_056993.2, residues 1063-1083): KNTQSSSEEA[Arg1073Ser]KLMVRLTRHT